The following is an entry in ClinVar:

NM_005475.3(SH2B3):c.380C>A (p.Pro127Gln)

Gene: SH2B3 (SH2B adaptor protein 3; plus strand). Cytogenetic location: 12q24.12.
Variant type: single nucleotide variant.
Coding change: c.380C>A on transcript NM_005475.3 (MANE Select); coding-DNA position 380, C replaced by A.
Protein change: p.Pro127Gln; replaces proline 127 with glutamine.
Molecular consequence: missense variant.
Genome position (GRCh38, 1-based): chr12:111,418,525, C>A. VCF-style: chr12-111418525-C-A. GRCh37 (hg19) VCF-style: chr12-111856329-C-A.
Other names: short protein forms P127Q.
Identifiers: ClinVar variation 4864474 (VCV004864474.1).

ClinVar aggregate classification (germline): Uncertain significance (1 of 4 stars; one submission).

Conditions:
Inborn genetic diseases. Identifiers: MedGen C0950123, MeSH D030342.

gnomAD v4.1: 1 of 1,394,900 alleles (0.000072%); highest among the groups gnomAD compares: Non-Finnish European, 0.000093%; no homozygotes.

Submission:

Ambry Genetics
Classification: Uncertain significance for Inborn genetic diseases. Last evaluated: 2026-06-14. Review status: criteria provided, single submitter. Criteria: Ambry Variant Classification Scheme 2023. Collection method: clinical testing. Allele origin: germline.
Comment: The p.P127Q variant (also known as c.380C>A), located in coding exon 1 of the SH2B3 gene, results from a C to A substitution at nucleotide position 380. The proline at codon 127 is replaced by glutamine, an amino acid with similar properties. This amino acid position is conserved. In addition, this alteration is predicted to be tolerated by in silico analysis. Based on the available evidence, the clinical significance of this variant remains unclear.